The following is an entry in ClinVar:

NM_000179.3(MSH6):c.167G>A (p.Gly56Glu)

Gene: MSH6 (mutS homolog 6; plus strand). Cytogenetic location: 2p16.3.
Variant type: single nucleotide variant.
Coding change: c.167G>A on transcript NM_000179.3 (MANE Select); coding-DNA position 167, G replaced by A.
Protein change: p.Gly56Glu; replaces glycine 56 with glutamic acid.
Molecular consequence: missense variant. On other transcripts: 5 prime UTR variant (1).
Genome position (GRCh38, 1-based): chr2:47,783,400, G>A. VCF-style: chr2-47783400-G-A. GRCh37 (hg19) VCF-style: chr2-48010539-G-A.
Other names: c.167G>A, p.Gly56Glu (NM_001281492.2); c.-570G>A (NM_001281493.2); short protein forms G56E.
Identifiers: ClinVar variation 801218 (VCV000801218.18), dbSNP rs1572698275, ClinGen allele CA346734985.

ClinVar aggregate classification (germline): Uncertain significance. Review status: criteria provided, multiple submitters, no conflicts (2 of 4 stars). 4 submissions from 4 submitters: Uncertain significance (4). Last evaluated 2025-12-09.

Conditions:
Hereditary cancer-predisposing syndrome. Also called: Tumor predisposition; Neoplastic Syndromes, Hereditary; Hereditary Cancer Syndrome; Hereditary neoplastic syndrome. Identifiers: Orphanet 140162, MedGen C0027672, MeSH D009386, MONDO:0015356.
Hereditary nonpolyposis colorectal neoplasms. Identifiers: MedGen C0009405, MeSH D003123.

Submissions (4):

Labcorp Genetics (formerly Invitae), Labcorp
Classification: Uncertain significance for Hereditary nonpolyposis colorectal neoplasms. Last evaluated: 2025-12-09. Review status: criteria provided, single submitter. Criteria: Invitae Variant Classification Sherloc (09022015). Collection method: clinical testing. Allele origin: germline.
Comment: This sequence change replaces glycine, which is neutral and non-polar, with glutamic acid, which is acidic and polar, at codon 56 of the MSH6 protein (p.Gly56Glu). This variant is not present in population databases (gnomAD no frequency). This variant has not been reported in the literature in individuals affected with MSH6-related conditions. ClinVar contains an entry for this variant (Variation ID: 801218). Invitae Evidence Modeling of protein sequence and biophysical properties (such as structural, functional, and spatial information, amino acid conservation, physicochemical variation, residue mobility, and thermodynamic stability) indicates that this missense variant is not expected to disrupt MSH6 protein function with a negative predictive value of 95%. In summary, the available evidence is currently insufficient to determine the role of this variant in disease. Therefore, it has been classified as a Variant of Uncertain Significance.

Ambry Genetics
Classification: Uncertain significance for Hereditary cancer-predisposing syndrome. Last evaluated: 2025-11-06. Review status: criteria provided, single submitter. Criteria: Ambry Variant Classification Scheme 2023. Collection method: clinical testing. Allele origin: germline.
Comment: The p.G56E variant (also known as c.167G>A), located in coding exon 1 of the MSH6 gene, results from a G to A substitution at nucleotide position 167. The glycine at codon 56 is replaced by glutamic acid, an amino acid with similar properties. This amino acid position is not well conserved in available vertebrate species. In addition, this alteration is predicted to be tolerated by in silico analysis. Based on the available evidence, the clinical significance of this variant remains unclear.

Color Diagnostics, LLC DBA Color Health
Classification: Uncertain significance for Hereditary cancer-predisposing syndrome. Last evaluated: 2025-05-27. Review status: criteria provided, single submitter. Criteria: ACMG Guidelines, 2015. Collection method: clinical testing. Allele origin: germline.
Comment: This missense variant replaces glycine with glutamic acid at codon 56 of the MSH6 protein. Computational prediction suggests that this variant may not impact protein structure and function. To our knowledge, functional studies have not been reported for this variant. This variant has not been reported in individuals affected with MSH6-related disorders in the literature. This variant has not been identified in the general population by the Genome Aggregation Database (gnomAD). The available evidence is insufficient to determine the role of this variant in disease conclusively. Therefore, this variant is classified as a Variant of Uncertain Significance.

Quest Diagnostics Nichols Institute San Juan Capistrano
Classification: Uncertain significance. Last evaluated: 2019-08-20. Review status: criteria provided, single submitter. Criteria: Quest Diagnostics criteria. Collection method: clinical testing. Allele origin: germline.